The following is an entry in ClinVar:

ClinVar aggregate classification (germline): Pathogenic/Likely pathogenic. Review status: criteria provided, multiple submitters, no conflicts (2 of 4 stars). 16 submissions from 15 submitters: Pathogenic (15); Likely pathogenic (1). Last evaluated 2025-12-18.

Conditions:
OCA2-related disorder. Also called: OCA2-related condition.
Albinism or congenital nystagmus.
Tyrosinase-positive oculocutaneous albinism (OCA2). Also called: Oculocutaneous albinism type 2; Albinism, oculocutaneous, type II; ALBINISM II. Identifiers: Orphanet 79432, MedGen C0268495, MONDO:0008746, OMIM 203200.
SKIN/HAIR/EYE PIGMENTATION 1, BLUE/NONBLUE EYES (SHEP1). Also called: SKIN/HAIR/EYE PIGMENTATION 1, BLOND/BROWN HAIR; SKIN/HAIR/EYE PIGMENTATION 1, BLUE/BROWN EYES; BROWN EYE COLOR 2; EYE COLOR 3; EYE COLOR, BLUE/NONBLUE; EYE COLOR, BROWN/BLUE. Identifiers: MedGen C1856895, OMIM 227220.

Allele frequency attached by ClinVar (database versions not stated): gnomAD exomes 0.00004; gnomAD 0.00006 and 0.00007; ExAC 0.00008; TOPMed 0.00008; ESP Exome Variant Server 0.00015; 1000 Genomes Project 30x 0.00031; 1000 Genomes Project 0.00040.
gnomAD v4.1: 66 of 1,613,836 alleles (0.0041%); highest among the groups gnomAD compares: Admixed American, 0.02%; no homozygotes.

Submissions 1 to 12 of 16:

Labcorp Genetics (formerly Invitae), Labcorp
Classification: Pathogenic. Last evaluated: 2025-12-18. Review status: criteria provided, single submitter. Criteria: Invitae Variant Classification Sherloc (09022015). Collection method: clinical testing. Allele origin: germline.
Comment: This sequence change replaces alanine, which is neutral and non-polar, with threonine, which is neutral and polar, at codon 787 of the OCA2 protein (p.Ala787Thr). This variant is present in population databases (rs142988897, gnomAD 0.01%). This missense change has been observed in individuals with oculocutaneous albinism (PMID: 17160937, 20426782, 25455140). It has also been observed to segregate with disease in related individuals. ClinVar contains an entry for this variant (Variation ID: 803060). Invitae Evidence Modeling of protein sequence and biophysical properties (such as structural, functional, and spatial information, amino acid conservation, physicochemical variation, residue mobility, and thermodynamic stability) has been performed for this missense variant. However, the output from this modeling did not meet the statistical confidence thresholds required to predict the impact of this variant on OCA2 protein function. This variant disrupts the p.Ala787 amino acid residue in OCA2. Other variant(s) that disrupt this residue have been determined to be pathogenic (PMID: 20861488, 23744323, 26165494). This suggests that this residue is clinically significant, and that variants that disrupt this residue are likely to be disease-causing. For these reasons, this variant has been classified as Pathogenic.

NHS Central & South Genomic Laboratory Hub
Classification: Pathogenic for Albinism or congenital nystagmus. Last evaluated: 2025-12-08. Review status: criteria provided, single submitter. Criteria: ACMG Guidelines, 2015. Collection method: clinical testing. Allele origin: germline. Affected: yes.

PreventionGenetics, part of Exact Sciences
Classification: Pathogenic for OCA2-related condition. Last evaluated: 2025-06-12. Review status: criteria provided, single submitter. Criteria: ACMG Guidelines, 2015. Collection method: clinical testing. Allele origin: germline.
Comment: The OCA2 c.2359G>A variant is predicted to result in the amino acid substitution p.Ala787Thr. This variant has been reported in the compound heterozygous and homozygous states in individuals with oculocutaneous albinism (Marti et al. 2017. PubMed ID: 28976636; Sengupta et al. 2010. PubMed ID: 20426782; Urtatiz et al. 2014. PubMed ID: 25455140; Table S1, Wei et al. 2022. PubMed ID: 34838614). Alternate substitutions of this amino acid residue (p.Ala787Glu and p.Ala787Val) have also been reported in individuals with oculocutaneous albinism (Shahzad et al. 2017. PubMed ID: 28266639; Oetting et al. 1998. PubMed ID: 10671067). This variant is present in 0.018% of alleles in individuals of African descent in gnomAD. Given the evidence, we interpret this variant as pathogenic.

Women's Health and Genetics/Laboratory Corporation of America, LabCorp
Classification: Pathogenic for Tyrosinase-positive oculocutaneous albinism. Last evaluated: 2025-03-28. Review status: criteria provided, single submitter. Criteria: LabCorp Variant Classification Summary - May 2015. Collection method: clinical testing. Allele origin: germline.
Comment: Variant summary: OCA2 c.2359G>A (p.Ala787Thr) results in a non-conservative amino acid change in the encoded protein sequence. Five of five in-silico tools predict a damaging effect of the variant on protein function. The variant allele was found at a frequency of 4.4e-05 in 251460 control chromosomes. This frequency is not significantly higher than estimated for a pathogenic variant in OCA2 causing Tyrosinase-Positive Oculocutaneous Albinism, allowing no conclusion about variant significance. c.2359G>A has been reported in the literature as a biallelic genotype in multiple individuals affected with Tyrosinase-Positive Oculocutaneous Albinism (e.g. Lasseaux_2018). These data indicate that the variant is very likely to be associated with disease. The following publication has been ascertained in the context of this evaluation (PMID: 29345414). ClinVar contains an entry for this variant (Variation ID: 803060). Based on the evidence outlined above, the variant was classified as pathogenic.

GeneDx
Classification: Pathogenic. Last evaluated: 2025-03-05. Review status: criteria provided, single submitter. Criteria: GeneDx Variant Classification Process June 2021. Collection method: clinical testing. Allele origin: germline. Affected: yes.
Comment: In silico analysis supports that this missense variant has a deleterious effect on protein structure/function; This variant is associated with the following publications: (PMID: 17160937, 20426782, 31196117, 22734612, 29345414, 37882226, 32969595, 37650133, 35741834, 34838614, 28976636, 39556609)

Genomic Medicine Center of Excellence, King Faisal Specialist Hospital and Research Centre
Classification: Pathogenic for Tyrosinase-positive oculocutaneous albinism. Last evaluated: 2024-10-07. Review status: criteria provided, single submitter. Criteria: ACMG Guidelines, 2015. Collection method: clinical testing. Allele origin: germline.

Blueprint Genetics
Classification: Pathogenic for OCA2-related disorders. Last evaluated: 2024-09-06. Review status: criteria provided, single submitter. Criteria: ACMG Guidelines, 2015. Collection method: clinical testing. Allele origin: germline. Affected: yes. Observed: 5 variant alleles.

Molecular Genetics and NGS Laboratory, Hospital Fundacion Valle Del Lili
Classification: Pathogenic for Tyrosinase-positive oculocutaneous albinism. Last evaluated: 2024-09-05. Review status: criteria provided, single submitter. Criteria: ACMG Guidelines, 2015. Collection method: clinical testing. Allele origin: germline. Affected: yes. Observed: 1 variant allele.
Comment: Alternative variant chr15:27845031 G⇒T (Ala787Glu) is classified Likely Pathogenic, 0 stars, by ClinVar but is classified Uncertain Significance by the germline classifier. Alternative variant chr15:27845031 G⇒A (Ala787Val) is classified Pathogenic by UniProt Variants (confirmed using the germline classifier).2 pathogenic alternative variants identified (PM5).Combined evidence strength is Strong (score = 5).Strong: ClinVar classifies this variant as Uncertain Significance but a number of high confidence submitters have classified as Pathogenic (PP5). Hot-spot of length 17 amino-acids has 11 missense/in-frame variants (6 pathogenic variants, 5 uncertain variants and no benign), which qualifies as moderate pathogenic (PM1). GnomAD genomes homozygous allele count = 0 is less than 2 for AR gene OCA2, good gnomAD genomes coverage = 31.4.GnomAD exomes homozygous allele count = 0 is less than 2 for AR gene OCA2, good gnomAD exomes coverage = 34.1 (PM2).

Baylor Genetics
Classification: Pathogenic for SKIN/HAIR/EYE PIGMENTATION 1, BLUE/NONBLUE EYES. Last evaluated: 2024-03-30. Review status: criteria provided, single submitter. Criteria: ACMG Guidelines, 2015. Collection method: clinical testing. Allele origin: unknown.

Fulgent Genetics
Classification: Pathogenic for Tyrosinase-positive oculocutaneous albinism; SKIN/HAIR/EYE PIGMENTATION 1, BLUE/NONBLUE EYES. Last evaluated: 2024-02-22. Review status: criteria provided, single submitter. Criteria: ACMG Guidelines, 2015. Collection method: clinical testing. Allele origin: germline.

Laboratory for Molecular Medicine, Mass General Brigham Personalized Medicine
Classification: Pathogenic for Tyrosinase-positive oculocutaneous albinism. Last evaluated: 2022-03-30. Review status: criteria provided, single submitter. Criteria: ACMG Guidelines, 2015. Collection method: clinical testing. Allele origin: germline. Inheritance: Autosomal recessive inheritance.
Comment: The p.Ala787Thr variant in OCA2 has been reported in 1 compound heterozygous individual and >10 homozygous individuals with albinism and segregated with disease in >5 affected family members (Duan 2006 PMID: 17160937, Sengupta 2010 PMID: 20426782, Okamura 2020 PMID: 32969595, Urtatiz 2014 PMID: 25455140). This variant has been reported in ClinVar (Variation ID: 803060), and another variant at this position (c.2360C>T p.Ala787Val) has been reported as pathogenic for oculocutaneous albinism. The p.Ala787Thr has been identified in 11/251460 chromosomes by gnomAD. Computational prediction tools and conservation analyses suggest that this variant may impact the protein , though this information is not predictive enough to determine pathogenicity. In summary, this variant meets criteria to be classified as pathogenic for autosomal recessive oculocutaneous albinism. ACMG/AMP criteria applied: PM3_Strong, PP1_Strong, PM2_Supporting, PP3, PS4_Supporting.

Mendelics
Classification: Pathogenic for Tyrosinase-positive oculocutaneous albinism. Last evaluated: 2019-05-28. Review status: criteria provided, single submitter. Criteria: Mendelics Assertion Criteria 2017. Collection method: clinical testing. Allele origin: unknown.

NM_000275.3(OCA2):c.2359G>A (p.Ala787Thr)

Gene: OCA2 (OCA2 melanosomal transmembrane protein; minus strand). Cytogenetic location: 15q13.1.
Variant type: single nucleotide variant.
Coding change: c.2359G>A on transcript NM_000275.3 (MANE Select); coding-DNA position 2359, G replaced by A.
Protein change: p.Ala787Thr; replaces alanine 787 with threonine.
Molecular consequence: missense variant.
Genome position (GRCh38, 1-based): chr15:27,845,032, C>T on the plus strand (G>A on the coding strand, the complement: OCA2 is on the minus strand). VCF-style: chr15-27845032-C-T. GRCh37 (hg19) VCF-style: chr15-28090178-C-T.
Other names: p.Ala787Thr; c.2287G>A, p.Ala763Thr (NM_001300984.2); c.2359G>A (NM_000275.2); short protein forms A763T, A787T.
Identifiers: ClinVar variation 803060 (VCV000803060.27), dbSNP rs142988897, ClinGen allele CA7438598.